The following is an entry in ClinVar:

ClinVar aggregate classification (germline): Uncertain significance (1 of 4 stars; one submission).

Conditions:
Immunodeficiency 35 (IMD35). Also called: Susceptibility to infection due to TYK2 deficiency; TYK2 DEFICIENCY; HIES WITH ATYPICAL MYCOBACTERIOSIS, AUTOSOMAL RECESSIVE; HYPER-IgE SYNDROME WITH ATYPICAL MYCOBACTERIOSIS, AUTOSOMAL RECESSIVE. Identifiers: Orphanet 331226, MedGen C1969086, MONDO:0012682, OMIM 611521.

gnomAD v4.1: 9 of 1,611,962 alleles (0.00056%); highest among the groups gnomAD compares: South Asian, 0.0033%; no homozygotes.

Submission:

Labcorp Genetics (formerly Invitae), Labcorp
Classification: Uncertain significance for Immunodeficiency 35. Last evaluated: 2022-04-30. Review status: criteria provided, single submitter. Criteria: Invitae Variant Classification Sherloc (09022015). Collection method: clinical testing. Allele origin: germline.
Comment: This variant is present in population databases (no rsID available, gnomAD 0.003%). This sequence change falls in intron 18 of the TYK2 gene. It does not directly change the encoded amino acid sequence of the TYK2 protein. This variant has not been reported in the literature in individuals affected with TYK2-related conditions. Algorithms developed to predict the effect of sequence changes on RNA splicing suggest that this variant may disrupt the consensus splice site. In summary, the available evidence is currently insufficient to determine the role of this variant in disease. Therefore, it has been classified as a Variant of Uncertain Significance.

NM_003331.5(TYK2):c.2618-10A>G

Gene: TYK2 (tyrosine kinase 2; minus strand). Cytogenetic location: 19p13.2.
Variant type: single nucleotide variant.
Coding change: c.2618-10A>G on transcript NM_003331.5 (MANE Select); 10 bases into the intron before coding-DNA position 2618, A replaced by G.
Molecular consequence: intron variant.
Genome position (GRCh38, 1-based): chr19:10,354,619, T>C on the plus strand (A>G on the coding strand, the complement: TYK2 is on the minus strand). VCF-style: chr19-10354619-T-C. GRCh37 (hg19) VCF-style: chr19-10465295-T-C.
Other names: c.2432-10A>G (NM_001385199.1); c.2528-10A>G (NM_001385205.1); c.2420-10A>G (NM_001385201.1); c.2492-10A>G (NM_001385206.1); c.2600-10A>G (NM_001385207.1); c.2534-10A>G (NM_001385202.1); c.2615-10A>G (NM_001385200.1); c.2618-10A>G (NM_001385198.1, NM_001385197.1); and 2 more.
Identifiers: ClinVar variation 2103906 (VCV002103906.4), dbSNP rs925342176, ClinGen allele CA631725124.